The following is an entry in ClinVar:

NM_006662.3(SRCAP):c.2201C>A (p.Ala734Asp)

Gene: SRCAP (Snf2 related CREBBP activator protein; plus strand). Cytogenetic location: 16p11.2.
Variant type: single nucleotide variant.
Coding change: c.2201C>A on transcript NM_006662.3 (MANE Select); coding-DNA position 2201, C replaced by A.
Protein change: p.Ala734Asp; replaces alanine 734 with aspartic acid.
Molecular consequence: missense variant.
Genome position (GRCh38, 1-based): chr16:30,713,278, C>A. VCF-style: chr16-30713278-C-A. GRCh37 (hg19) VCF-style: chr16-30724599-C-A.
Other names: short protein forms A734D.
Identifiers: ClinVar variation 3235736 (VCV003235736.1), dbSNP rs2506635565, ClinGen allele CA395608602.
Genomic context (GRCh38, chr16:30,713,278, plus strand): 5'-AGCCCAATGCCTTTCATGTGTGTATCACATCTTACAAGCTGGTGCTGCAGGACCACCAGG[C>A]CTTCCGTCGCAAGAACTGGCGCTATCTCATTCTGGATGAGGCGCAGAACATCAAGAACTT-3'
Protein context (NP_006653.2, residues 724-744): SYKLVLQDHQ[Ala734Asp]FRRKNWRYLI

ClinVar aggregate classification (germline): Uncertain significance (1 of 4 stars; one submission).

Submission:

Greenwood Genetic Center Diagnostic Laboratories, Greenwood Genetic Center
Classification: Uncertain significance. Last evaluated: 2024-02-13. Review status: criteria provided, single submitter. Criteria: ACMG Guidelines, 2015. Collection method: clinical testing. Allele origin: germline. Affected: yes.
Comment: PM2, PM6, PP3